The following is an entry in ClinVar:

NM_016213.5(TRIP4):c.445T>C (p.Phe149Leu)

Gene: TRIP4 (thyroid hormone receptor interactor 4; plus strand). Cytogenetic location: 15q22.31.
Variant type: single nucleotide variant.
Coding change: c.445T>C on transcript NM_016213.5 (MANE Select); coding-DNA position 445, T replaced by C.
Protein change: p.Phe149Leu; replaces phenylalanine 149 with leucine.
Molecular consequence: missense variant. On other transcripts: 5 prime UTR variant (1), non-coding transcript variant (1).
Genome position (GRCh38, 1-based): chr15:64,397,645, T>C. VCF-style: chr15-64397645-T-C. GRCh37 (hg19) VCF-style: chr15-64689844-T-C.
Other names: p.Phe149Leu; c.-246T>C (NM_001321924.2); short protein forms F149L.
Identifiers: ClinVar variation 2683315 (VCV002683315.1), dbSNP rs2505410490, ClinGen allele CA392818548.

ClinVar aggregate classification (germline): Uncertain significance (1 of 4 stars; one submission).

Submission:

Mayo Clinic Laboratories, Mayo Clinic
Classification: Uncertain significance. Last evaluated: 2023-03-20. Review status: criteria provided, single submitter. Criteria: ACMG Guidelines, 2015. Collection method: clinical testing. Allele origin: germline. Observed: 1 variant allele.
Comment: PM2